The following is an entry in ClinVar:

ClinVar aggregate classification (germline): Uncertain significance (1 of 4 stars; one submission).

gnomAD v4.1: 1 of 1,613,826 alleles (0.000062%); highest among the groups gnomAD compares: East Asian, 0.0022%; no homozygotes.

Submission:

Dasa
Classification: Uncertain significance. Last evaluated: 2026-08-12. Review status: criteria provided, single submitter. Criteria: DASA Assertion Criteria. Collection method: clinical testing. Allele origin: germline.
Comment: NM_198177.3(MITF):c.30G>A (p.Met10Ile) is a missense variant that results in the substitution of methionine with isoleucine. This variant is rare in population databases. Computational prediction algorithms are consistent with a benign effect. The currently available literature and clinical evidence are not sufficient to establish a definitive association between this variant and the reported condition. Therefore, this variant is classified as a variant of uncertain significance.

NM_001354604.2(MITF):c.105-12814G>A

Gene: MITF (melanocyte inducing transcription factor; plus strand). Cytogenetic location: 3p13.
Variant type: single nucleotide variant.
Coding change: c.105-12814G>A on transcript NM_001354604.2 (MANE Select); 12814 bases into the intron before coding-DNA position 105, G replaced by A.
Molecular consequence: intron variant. On other transcripts: missense variant (1).
Genome position (GRCh38, 1-based): chr3:69,866,320, G>A. VCF-style: chr3-69866320-G-A. GRCh37 (hg19) VCF-style: chr3-69915471-G-A.
Other names: c.30G>A, p.Met10Ile (NM_198177.3); c.54-12814G>A (NM_001354607.2); c.-52-12814G>A (NM_001354608.2, NM_001184967.2); c.105-12814G>A (NM_198159.3); c.105-12817G>A (NM_001354605.2, NM_001354606.2); c.102-12814G>A (NM_006722.3); short protein forms M10I.
Identifiers: ClinVar variation 5020123 (VCV005020123.1).